The following is an entry in ClinVar:

ClinVar aggregate classification (germline): Uncertain significance (1 of 4 stars; one submission).

Conditions:
PLXNA4-related disorder. Also called: PLXNA4-related condition.

gnomAD v4.1: 40 of 1,614,022 alleles (0.0025%); highest among the groups gnomAD compares: South Asian, 0.0033%; no homozygotes.

Submission:

PreventionGenetics, part of Exact Sciences
Classification: Uncertain significance for PLXNA4-related condition. Last evaluated: 2025-03-17. Review status: criteria provided, single submitter. Criteria: ACMG Guidelines, 2015. Collection method: clinical testing. Allele origin: germline.
Comment: The PLXNA4 c.2953G>A variant is predicted to result in the amino acid substitution p.Val985Met. To our knowledge, this variant has not been reported in the literature. This variant is reported in 0.028% of alleles in individuals of European (Finnish) descent in gnomAD. At this time, the clinical significance of this variant is uncertain due to the absence of conclusive functional and genetic evidence.

NM_020911.2(PLXNA4):c.2953G>A (p.Val985Met)

Gene: PLXNA4 (plexin A4; minus strand). Cytogenetic location: 7q32.3.
Variant type: single nucleotide variant.
Coding change: c.2953G>A on transcript NM_020911.2 (MANE Select); coding-DNA position 2953, G replaced by A.
Protein change: p.Val985Met; replaces valine 985 with methionine.
Molecular consequence: missense variant.
Genome position (GRCh38, 1-based): chr7:132,187,511, C>T on the plus strand (G>A on the coding strand, the complement: PLXNA4 is on the minus strand). VCF-style: chr7-132187511-C-T. GRCh37 (hg19) VCF-style: chr7-131872270-C-T.
Other names: c.2953G>A, p.Val985Met (NM_001393897.1); short protein forms V985M.
Identifiers: ClinVar variation 4983137 (VCV004983137.1).